The following is an entry in ClinVar:

NM_001291303.3(FAT4):c.12992T>C (p.Ile4331Thr)

Gene: FAT4 (FAT atypical cadherin 4; plus strand). Cytogenetic location: 4q28.1.
Variant type: single nucleotide variant.
Coding change: c.12992T>C on transcript NM_001291303.3 (MANE Select); coding-DNA position 12992, T replaced by C.
Protein change: p.Ile4331Thr; replaces isoleucine 4331 with threonine.
Molecular consequence: missense variant.
Genome position (GRCh38, 1-based): chr4:125,487,514, T>C. VCF-style: chr4-125487514-T-C. GRCh37 (hg19) VCF-style: chr4-126408669-T-C.
Other names: c.12992T>C, p.Ile4331Thr (NM_001291285.3); c.12986T>C, p.Ile4329Thr (NM_024582.6); short protein forms I4329T, I4331T.
Identifiers: ClinVar variation 1956337 (VCV001956337.5), dbSNP rs2531044939, ClinGen allele CA358134530.
Genomic context (GRCh38, chr4:125,487,514, plus strand): 5'-TTGGGAAAAATGGAACAGCAACAGTATTGTCTGTTGACAGAATATATAACAGAGATATTA[T>C]CCACCCTACTCAGGACTTCGGTGGCCTTGATGTGCTTACTATATCACTTGGAGGAATTCC-3'
Protein context (NP_001278232.1, residues 4321-4341): SVDRIYNRDI[Ile4331Thr]HPTQDFGGLD

ClinVar aggregate classification (germline): Uncertain significance (1 of 4 stars; one submission).

Allele frequency attached by ClinVar (database versions not stated): gnomAD exomes below 0.00001.
gnomAD v4.1: 1 of 1,614,000 alleles (0.000062%); highest among the groups gnomAD compares: Non-Finnish European, 0.000085%; no homozygotes.

Submission:

Labcorp Genetics (formerly Invitae), Labcorp
Classification: Uncertain significance. Last evaluated: 2022-04-12. Review status: criteria provided, single submitter. Criteria: Invitae Variant Classification Sherloc (09022015). Collection method: clinical testing. Allele origin: germline.
Comment: This sequence change replaces isoleucine, which is neutral and non-polar, with threonine, which is neutral and polar, at codon 4329 of the FAT4 protein (p.Ile4329Thr). In summary, the available evidence is currently insufficient to determine the role of this variant in disease. Therefore, it has been classified as a Variant of Uncertain Significance. Advanced modeling of protein sequence and biophysical properties (such as structural, functional, and spatial information, amino acid conservation, physicochemical variation, residue mobility, and thermodynamic stability) performed at Invitae indicates that this missense variant is not expected to disrupt FAT4 protein function. This variant has not been reported in the literature in individuals affected with FAT4-related conditions. This variant is not present in population databases (gnomAD no frequency).